The following is an entry in ClinVar:

ClinVar aggregate classification (germline): Uncertain significance. Review status: criteria provided, multiple submitters, no conflicts (2 of 4 stars). 2 submissions from 2 submitters: Uncertain significance (2). Last evaluated 2023-12-01.

Conditions:
Hereditary cancer-predisposing syndrome. Also called: Neoplastic Syndromes, Hereditary; Tumor predisposition; Hereditary Cancer Syndrome; Hereditary neoplastic syndrome. Identifiers: Orphanet 140162, MedGen C0027672, MeSH D009386, MONDO:0015356.
Lynch syndrome. Identifiers: Orphanet 144, MedGen C4552100, MONDO:0005835. Disease mechanism: loss of function.

gnomAD v4.1: 1 of 1,613,506 alleles (0.000062%); highest among the groups gnomAD compares: Non-Finnish European, 0.000085%; no homozygotes.

Submissions (2):

All of Us Research Program, National Institutes of Health
Classification: Uncertain significance for Lynch syndrome. Last evaluated: 2023-12-01. Review status: criteria provided, single submitter. Criteria: ACMG Guidelines, 2015. Collection method: clinical testing. Allele origin: germline. Inheritance: Autosomal dominant inheritance. Observed: 1 variant allele, 1 heterozygote.
Comment: This study involves interpretation of variants in research participants for the purpose of population health screening. Participant phenotype was not available at the time of variant classification. Additional details can be found in publication PMID: 35346344, PMCID: PMC8962531

Ambry Genetics
Classification: Uncertain significance for Hereditary cancer-predisposing syndrome. Last evaluated: 2023-11-30. Review status: criteria provided, single submitter. Criteria: Ambry Variant Classification Scheme 2023. Collection method: clinical testing. Allele origin: germline.
Comment: The p.R294P variant (also known as c.881G>C), located in coding exon 8 of the PMS2 gene, results from a G to C substitution at nucleotide position 881. The arginine at codon 294 is replaced by proline, an amino acid with dissimilar properties. This amino acid position is not well conserved in available vertebrate species. In addition, the in silico prediction for this alteration is inconclusive. Since supporting evidence is limited at this time, the clinical significance of this alteration remains unclear.

NM_000535.7(PMS2):c.881G>C (p.Arg294Pro)

Gene: PMS2 (PMS1 homolog 2, mismatch repair system component; minus strand). Cytogenetic location: 7p22.1.
Variant type: single nucleotide variant.
Coding change: c.881G>C on transcript NM_000535.7 (MANE Select); coding-DNA position 881, G replaced by C.
Protein change: p.Arg294Pro; replaces arginine 294 with proline.
Molecular consequence: missense variant. On other transcripts: 5 prime UTR variant (2), non-coding transcript variant (1).
Genome position (GRCh38, 1-based): chr7:5,995,556, C>G on the plus strand (G>C on the coding strand, the complement: PMS2 is on the minus strand). VCF-style: chr7-5995556-C-G. GRCh37 (hg19) VCF-style: chr7-6035187-C-G.
Other names: c.476G>C, p.Arg159Pro (NM_001018040.1, NM_001322003.2, NM_001322004.2 and 20 more transcripts); c.881G>C, p.Arg294Pro (NM_001322006.2, NM_001322014.2, NM_001406870.1 and 2 more transcripts); c.563G>C, p.Arg188Pro (NM_001322007.2, NM_001322008.2, NM_001406876.1 and 4 more transcripts); c.-53G>C (NM_001322011.2, NM_001322012.2); c.308G>C, p.Arg103Pro (NM_001322013.2, NM_001406909.1); c.572G>C, p.Arg191Pro (NM_001322015.2, NM_001406875.1, NM_001406877.1 and 6 more transcripts); c.1067G>C, p.Arg356Pro (NM_001406866.1); c.905G>C, p.Arg302Pro (NM_001406868.1); and 4 more; short protein forms R123P, R182P, R188P, R159P, R238P, R258P, R103P, R191P.
Identifiers: ClinVar variation 1764776 (VCV001764776.3), dbSNP rs373239341, ClinGen allele CA366743434.
Genomic context (GRCh38, chr7:5,995,556, plus strand): 5'-GCATAAAGAACAAACTAACACAAAAAAATTTTAAATACCTTTGCTGGGTCACAAGGCCGC[C>G]GGTTGATAAAGAAAAACTGTCTGTCTGTTGAACTCCTTCCAACTCCATGCGTGCATTGTG-3'
Protein context (NP_000526.2, residues 284-304): STDRQFFFIN[Arg294Pro]RPCDPAKVCR